The following is an entry in ClinVar:

NM_001005242.3(PKP2):c.337-2A>T

Gene: PKP2 (plakophilin 2; minus strand). Cytogenetic location: 12p11.21.
Variant type: single nucleotide variant.
Coding change: c.337-2A>T on transcript NM_001005242.3 (MANE Select); the canonical splice acceptor site of the intron before coding-DNA position 337, A replaced by T.
Molecular consequence: splice acceptor variant.
Genome position (GRCh38, 1-based): chr12:32,878,545, T>A on the plus strand (A>T on the coding strand, the complement: PKP2 is on the minus strand). VCF-style: chr12-32878545-T-A. GRCh37 (hg19) VCF-style: chr12-33031479-T-A.
Other names: c.337-2A>T (NM_001407156.1, NM_001407155.1, NM_004572.4 and 2 more transcripts); c.10-2A>T (NM_001407160.1, NM_001407159.1, NM_001407158.1 and 1 more transcripts).
Identifiers: ClinVar variation 188654 (VCV000188654.28), dbSNP rs786204389, ClinGen allele CA012272.

ClinVar aggregate classification (germline): Pathogenic/Likely pathogenic. Review status: criteria provided, multiple submitters, no conflicts (2 of 4 stars). 5 submissions from 5 submitters: Pathogenic (4); Likely pathogenic (1). Last evaluated 2026-01-19.

Conditions:
Cardiovascular phenotype. Identifiers: MedGen CN230736.
Familial isolated arrhythmogenic right ventricular dysplasia. Identifiers: Orphanet 217656, MedGen C4274968, MONDO:0016342.
Arrhythmogenic right ventricular cardiomyopathy (ARVD). Also called: Arrhythmogenic cardiomyopathy; Arrhythmogenic Right Ventricular Cardiomyopathy (ARVC); Cardiomyopathy, ARVC; Arrhythmogenic right ventricular dysplasia. Identifiers: Orphanet 247, MedGen C0349788, MeSH D019571, MONDO:0016587. Disease mechanism: loss of function. Inheritance: Various modes of inheritance.
Arrhythmogenic right ventricular dysplasia 9 (ARVD9). Also called: Arrhythmogenic Right Ventricular Dysplasia/Cardiomyopathy 9; ARRHYTHMOGENIC RIGHT VENTRICULAR DYSPLASIA, FAMILIAL, 9. Identifiers: MedGen C1836906, MONDO:0012180, OMIM 609040.

gnomAD v4.1: 20 of 1,610,136 alleles (0.0012%); highest among the groups gnomAD compares: Non-Finnish European, 0.0015%; no homozygotes.

Submissions (5):

Labcorp Genetics (formerly Invitae), Labcorp
Classification: Pathogenic for Arrhythmogenic right ventricular dysplasia 9. Last evaluated: 2026-01-19. Review status: criteria provided, single submitter. Criteria: Invitae Variant Classification Sherloc (09022015). Collection method: clinical testing. Allele origin: germline.
Comment: This sequence change affects an acceptor splice site in intron 2 of the PKP2 gene. It is expected to disrupt RNA splicing. Variants that disrupt the donor or acceptor splice site typically lead to a loss of protein function (PMID: 16199547), and loss-of-function variants in PKP2 are known to be pathogenic (PMID: 15489853, 17041889, 23911551). This variant is not present in population databases (gnomAD no frequency). Disruption of this splice site has been observed in individuals with arrhythmogenic right ventricular cardiomyopathy (PMID: 23671136, 27532257; internal dataDatabase). ClinVar contains an entry for this variant (Variation ID: 188654). Algorithms developed to predict the effect of sequence changes on RNA splicing suggest that this variant may disrupt the consensus splice site. For these reasons, this variant has been classified as Pathogenic.

GeneDx
Classification: Pathogenic. Last evaluated: 2025-10-18. Review status: criteria provided, single submitter. Criteria: GeneDx Variant Classification Process June 2021. Collection method: clinical testing. Allele origin: germline. Affected: yes.
Comment: Canonical splice site variant predicted to result in a null allele in a gene for which loss of function is a known mechanism of disease; Not observed at significant frequency in large population cohorts (gnomAD); This variant is associated with the following publications: (PMID: 36264615, 35536239, 25820315, 23671136, 31386562, 31402444, 31775751, 32372669, 23871885, 27532257, 32123317, 33087929)

Women's Health and Genetics/Laboratory Corporation of America, LabCorp
Classification: Pathogenic for Familial isolated arrhythmogenic right ventricular dysplasia. Last evaluated: 2024-05-13. Review status: criteria provided, single submitter. Criteria: LabCorp Variant Classification Summary - May 2015. Collection method: clinical testing. Allele origin: germline.
Comment: Variant summary: PKP2 c.337-2A>T is located in a canonical splice-site and is predicted to affect mRNA splicing resulting in a significantly altered protein due to either exon skipping, shortening, or inclusion of intronic material. Several computational tools predict a significant impact on normal splicing: Four predict the variant abolishes a 3' acceptor site. However, these predictions have yet to be confirmed by functional studies. The frequency data for this variant in gnomAD is considered unreliable, as metrics indicate poor data quality at this position. c.337-2A>T has been reported in the literature in individuals affected with Arrhythmogenic Right Ventricular Dysplasia/Cardiomyopathy. These data indicate that the variant is likely to be associated with disease. The following publications have been ascertained in the context of this evaluation (PMID: 31386562, 23671136, 26314686). ClinVar contains an entry for this variant (Variation ID: 188654). Based on the evidence outlined above, the variant was classified as pathogenic.

Ambry Genetics
Classification: Pathogenic for Cardiovascular phenotype. Last evaluated: 2023-03-09. Review status: criteria provided, single submitter. Criteria: Ambry Variant Classification Scheme 2023. Collection method: clinical testing. Allele origin: germline.
Comment: The c.337-2A>T intronic pathogenic mutation results from an A to T substitution two nucleotides upstream from coding exon 3 in the PKP2 gene. This alteration has been previously reported in an arrhythmogenic right ventricular cardiomyopathy (ARVC) cohort (Bhonsale A, Circ Arrhythm Electrophysiol 2013 Jun; 6(3):569-78). This variant is considered to be rare based on population cohorts in the Genome Aggregation Database (gnomAD). This nucleotide position is highly conserved in available vertebrate species. In silico splice site analysis predicts that this alteration will weaken the native splice acceptor site and will result in the creation or strengthening of a novel splice acceptor site. In addition to the clinical data presented in the literature, alterations that disrupt the canonical splice site are expected to cause aberrant splicing, resulting in an abnormal protein or a transcript that is subject to nonsense-mediated mRNA decay. As such, this alteration is classified as a disease-causing mutation.

Laboratory for Molecular Medicine, Mass General Brigham Personalized Medicine
Classification: Likely pathogenic for Arrhythmogenic right ventricular cardiomyopathy. Last evaluated: 2019-01-31. Review status: criteria provided, single submitter. Criteria: LMM Criteria. Collection method: clinical testing. Allele origin: germline. Inheritance: Autosomal dominant inheritance. Observed: 1 variant allele.
Comment: The c.337-2A>T variant in PKP2 has been reported in 3 individual with ARVD/C (Bhonsale 2013, Walsh 2017) and was absent from large population studies. This variant has also been reported in ClinVar (Variation ID 188654). This variant occurs in the invariant region (+/- 1,2) of the splice consensus sequence and is predicted to cause altered splicing leading to an abnormal or absent protein. Heterozygous loss of function of the PKP2 gene is an established disease mechanism in individuals with arrhythmogenic right ventricular cardiomyopathy. In summary, although additional studies are required to fully establish its clinical significance, the c.337-2A>T variant is likely pathogenic. ACMG/AMP Criteria applied: PVS1_Strong, PM2, PS4_Supporting

Literature cited by the submitters: PubMed 16199547 (cited by Labcorp Genetics (formerly Invitae), Labcorp); PubMed 15489853 (cited by Labcorp Genetics (formerly Invitae), Labcorp); PubMed 17041889 (cited by Labcorp Genetics (formerly Invitae), Labcorp); PubMed 23911551 (cited by Labcorp Genetics (formerly Invitae), Labcorp); PubMed 23671136 (cited by 4 submitters); PubMed 27532257 (cited by Labcorp Genetics (formerly Invitae), Labcorp and Laboratory for Molecular Medicine, Mass General Brigham Personalized Medicine); PubMed 31386562 (cited by Women's Health and Genetics/Laboratory Corporation of America, LabCorp); PubMed 26314686 (cited by Women's Health and Genetics/Laboratory Corporation of America, LabCorp); PubMed 23871885 (cited by Laboratory for Molecular Medicine, Mass General Brigham Personalized Medicine).